The following is an entry in ClinVar:

NM_030665.4(RAI1):c.4536G>A (p.Glu1512=)

Gene: RAI1 (retinoic acid induced 1; plus strand). Cytogenetic location: 17p11.2.
Variant type: single nucleotide variant.
Coding change: c.4536G>A on transcript NM_030665.4 (MANE Select); coding-DNA position 4536, G replaced by A.
Protein change: p.Glu1512=; no amino-acid change (glutamic acid 1512 retained).
Molecular consequence: synonymous variant.
Genome position (GRCh38, 1-based): chr17:17,797,484, G>A. VCF-style: chr17-17797484-G-A. GRCh37 (hg19) VCF-style: chr17-17700798-G-A.
Other names: c.4536G>A (NM_030665.3).
Identifiers: ClinVar variation 2840839 (VCV002840839.4), dbSNP rs2543620343, ClinGen allele CA498425259.
Genomic context (GRCh38, chr17:17,797,484, plus strand): 5'-TGGTGGAGGAGGCAAGAAGCCAAAGATGGAGGAGCTGGGCCTGGCCTCCCAGCCCCCGGA[G>A]GGCAGGCCCTGCCAGCCCCAGACAAGGGCACAGAAACAGCCAGGCCACACCAACTACAGC-3'
Protein context (NP_109590.3, residues 1502-1522): EELGLASQPP[Glu1512=]GRPCQPQTRA

ClinVar aggregate classification (germline): Likely benign. Review status: criteria provided, single submitter (1 of 4 stars). 2 submissions from 2 submitters: Likely benign (1). 1 of the submissions does not count toward it. Last evaluated 2025-05-27.

Conditions:
RAI1-related disorder. Also called: RAI1-related condition.

Submissions (2):

Labcorp Genetics (formerly Invitae), Labcorp
Classification: Likely benign. Last evaluated: 2025-05-27. Review status: criteria provided, single submitter. Criteria: Invitae Variant Classification Sherloc (09022015). Collection method: clinical testing. Allele origin: germline.

PreventionGenetics, part of Exact Sciences
Classification: Likely benign for RAI1-related condition. Last evaluated: 2023-03-30. Review status: no assertion criteria provided. Collection method: clinical testing. Allele origin: germline. Not counted in ClinVar's aggregate classification.
Comment: This variant is classified as likely benign based on ACMG/AMP sequence variant interpretation guidelines (Richards et al. 2015 PMID: 25741868, with internal and published modifications).